The following is an entry in ClinVar:

ClinVar aggregate classification (germline): Uncertain significance (1 of 4 stars; one submission).

Conditions:
UBQLN2-related disorder. Also called: UBQLN2-related condition.

Submission:

PreventionGenetics, part of Exact Sciences
Classification: Uncertain significance for UBQLN2-related condition. Last evaluated: 2026-06-29. Review status: criteria provided, single submitter. Criteria: ACMG Guidelines, 2015. Collection method: clinical testing. Allele origin: germline.
Comment: The UBQLN2 c.1643G>T variant is predicted to result in the amino acid substitution p.Ser548Ile. To our knowledge, this variant has not been reported in the literature. This variant is reported in 0.0037% of alleles in individuals of Latino descent in gnomAD. At this time, the clinical significance of this variant is uncertain due to the absence of conclusive functional and genetic evidence.

NM_013444.4(UBQLN2):c.1643G>T (p.Ser548Ile)

Gene: UBQLN2 (ubiquilin 2; plus strand). Cytogenetic location: Xp11.21.
Variant type: single nucleotide variant.
Coding change: c.1643G>T on transcript NM_013444.4 (MANE Select); coding-DNA position 1643, G replaced by T.
Protein change: p.Ser548Ile; replaces serine 548 with isoleucine.
Molecular consequence: missense variant.
Genome position (GRCh38, 1-based): chrX:56,565,516, G>T. VCF-style: chrX-56565516-G-T. GRCh37 (hg19) VCF-style: chrX-56591949-G-T.
Other names: short protein forms S548I.
Identifiers: ClinVar variation 4980706 (VCV004980706.1).